The following is an entry in ClinVar:

ClinVar aggregate classification (germline): Uncertain significance (1 of 4 stars; one submission).

Allele frequency attached by ClinVar (database versions not stated): gnomAD exomes below 0.00001.

Submission:

GeneDx
Classification: Uncertain significance. Last evaluated: 2022-08-29. Review status: criteria provided, single submitter. Criteria: GeneDx Variant Classification Process June 2021. Collection method: clinical testing. Allele origin: germline. Affected: yes.
Comment: Not observed at significant frequency in large population cohorts (gnomAD); In silico analysis supports that this missense variant does not alter protein structure/function; In-silico analysis is inconclusive as to whether the variant alters gene splicing. In the absence of RNA/functional studies, the actual effect of this sequence change is unknown.; Has not been previously published as pathogenic or benign to our knowledge

NM_001372044.2(SHANK3):c.2639A>G (p.Asp880Gly)

Gene: SHANK3 (SH3 and multiple ankyrin repeat domains 3; plus strand). Cytogenetic location: 22q13.33.
Variant type: single nucleotide variant.
Coding change: c.2639A>G on transcript NM_001372044.2 (MANE Select); coding-DNA position 2639, A replaced by G.
Protein change: p.Asp880Gly; replaces aspartic acid 880 with glycine.
Molecular consequence: missense variant.
Genome position (GRCh38, 1-based): chr22:50,720,247, A>G. VCF-style: chr22-50720247-A-G. GRCh37 (hg19) VCF-style: chr22-51158675-A-G.
Other names: c.2414A>G, p.Asp805Gly (NM_033517.1); short protein forms D805G, D880G.
Identifiers: ClinVar variation 2442753 (VCV002442753.1), dbSNP rs1364922217, ClinGen allele CA515258684.
Genomic context (GRCh38, chr22:50,720,247, plus strand): 5'-AGGACGAGAAGCTGGCGTCCCTGCTGGAAGGGCGCTTCCCGCGGAGCACCTCGATGCAAG[A>G]CCCGGTGCGCGAGGGTCGCGGCATCCCGCCCCCGCCGCAGACCGCGCCGCCTCCCCCGCC-3'
Protein context (NP_001358973.1, residues 870-890): GRFPRSTSMQ[Asp880Gly]PVREGRGIPP